The following is an entry in ClinVar:

NM_203290.4(POLR1C):c.699C>G (p.Tyr233Ter)

Gene: POLR1C (RNA polymerase I and III subunit C; plus strand). Cytogenetic location: 6p21.1.
Variant type: single nucleotide variant.
Coding change: c.699C>G on transcript NM_203290.4 (MANE Select); coding-DNA position 699, C replaced by G.
Protein change: p.Tyr233Ter; replaces tyrosine 233 with a stop codon.
Molecular consequence: nonsense.
Genome position (GRCh38, 1-based): chr6:43,520,668, C>G. VCF-style: chr6-43520668-C-G. GRCh37 (hg19) VCF-style: chr6-43488406-C-G.
Other names: c.699C>G, p.Tyr233Ter (NM_001318876.2, NM_001363658.2); short protein forms Y233*.
Identifiers: ClinVar variation 280857 (VCV000280857.8), dbSNP rs763593155, ClinGen allele CA10603008.
Genomic context (GRCh38, chr6:43,520,668, plus strand): 5'-TCCCTCTTCCTCTCCAGGCAAAGATCATGCCAAGTTTTCACCAGTGGCAACAGCCAGTTA[C>G]AGGCTCCTGCCAGACATCACCCTGCTTGAGCCCGTGGAAGGGGAGGCAGCTGAGGAGTTG-3'

ClinVar aggregate classification (germline): Pathogenic. Review status: criteria provided, multiple submitters, no conflicts (2 of 4 stars). 3 submissions from 3 submitters: Pathogenic (3). Last evaluated 2016-09-16.

Conditions:
Treacher Collins syndrome 3 (TCS3). Also called: POLR1C-Related Treacher Collins Syndrome. Identifiers: Orphanet 861, MedGen C1855433, MONDO:0009558, OMIM 248390.
Leukodystrophy, hypomyelinating, 11. Identifiers: Orphanet 88637, MedGen C4225305, MONDO:0014666, OMIM 616494.

Submissions (3):

GeneDx
Classification: Pathogenic. Last evaluated: 2016-09-16. Review status: criteria provided, single submitter. Criteria: GeneDx Variant Classification (06012015). Collection method: clinical testing. Allele origin: germline. Affected: yes.
Comment: The Y233X pathogenic variant in the POLR1C gene has not been reported previously as a pathogenic variant nor as abenign variant, to our knowledge. This variant is predicted to cause loss of normal protein function either throughprotein truncation or nonsense-mediated mRNA decay. The Y233X variant was not observed in approximately 6500individuals of European and African American ancestry in the NHLBI Exome Sequencing Project, indicating it is nota common benign variant in these populations. We interpret Y233X as a pathogenic variant.

Juno Genomics, Hangzhou Juno Genomics, Inc
Classification: Pathogenic for Leukodystrophy, hypomyelinating, 11; Treacher Collins syndrome 3. Review status: criteria provided, single submitter. Criteria: ACMG Guidelines, 2015. Collection method: clinical testing. Allele origin: germline.
Comment: Absent from controls (or at extremely low frequency if recessive) in Genome Aggregation Database.;Null variant in a gene where loss of function (LOF) is a known mechanism of disease.;For recessive disorders, detected in trans with a pathogenic variant.

MyeliNeuroGene Lab, McGill University Health Center Research Institute
Classification: Pathogenic for Leukodystrophy, hypomyelinating, 11. Review status: criteria provided, single submitter. Criteria: ACMG Guidelines, 2015. Collection method: research. Allele origin: inherited. Inheritance: Autosomal recessive inheritance. Affected: no.

Literature cited by the submitters: PubMed 610060 (cited by MyeliNeuroGene Lab, McGill University Health Center Research Institute).